The following is an entry in ClinVar:

ClinVar aggregate classification (germline): Uncertain significance. Review status: criteria provided, multiple submitters, no conflicts (2 of 4 stars). 2 submissions from 2 submitters: Uncertain significance (2). Last evaluated 2023-12-20.

Conditions:
Inborn genetic diseases. Identifiers: MedGen C0950123, MeSH D030342.

Allele frequency attached by ClinVar (database versions not stated): gnomAD exomes 0.00001; TOPMed 0.00001.
gnomAD v4.1: 20 of 1,608,510 alleles (0.0012%); highest among the groups gnomAD compares: Non-Finnish European, 0.0014%; no homozygotes.

Submissions (2):

Ambry Genetics
Classification: Uncertain significance for Inborn genetic diseases. Last evaluated: 2023-12-20. Review status: criteria provided, single submitter. Criteria: Ambry Variant Classification Scheme 2023. Collection method: clinical testing. Allele origin: germline.

Labcorp Genetics (formerly Invitae), Labcorp
Classification: Uncertain significance. Last evaluated: 2022-03-13. Review status: criteria provided, single submitter. Criteria: Invitae Variant Classification Sherloc (09022015). Collection method: clinical testing. Allele origin: germline.
Comment: This sequence change replaces glutamic acid, which is acidic and polar, with lysine, which is basic and polar, at codon 135 of the ADAMTSL4 protein (p.Glu135Lys). This variant is present in population databases (no rsID available, gnomAD 0.006%). This variant has not been reported in the literature in individuals affected with ADAMTSL4-related conditions. Algorithms developed to predict the effect of missense changes on protein structure and function (SIFT, PolyPhen-2, Align-GVGD) all suggest that this variant is likely to be tolerated. In summary, the available evidence is currently insufficient to determine the role of this variant in disease. Therefore, it has been classified as a Variant of Uncertain Significance.

NM_019032.6(ADAMTSL4):c.403G>A (p.Glu135Lys)

Genes: ADAMTSL4 (ADAMTS like 4; plus strand), ADAMTSL4-AS2 (ADAMTSL4 antisense RNA 2; minus strand). Cytogenetic location: 1q21.2.
Variant type: single nucleotide variant.
Coding change: c.403G>A on transcript NM_019032.6 (MANE Select); coding-DNA position 403, G replaced by A.
Protein change: p.Glu135Lys; replaces glutamic acid 135 with lysine.
Molecular consequence: missense variant.
Genome position (GRCh38, 1-based): chr1:150,553,222, G>A. VCF-style: chr1-150553222-G-A. GRCh37 (hg19) VCF-style: chr1-150525698-G-A.
Other names: c.403G>A, p.Glu135Lys (NM_001288607.2, NM_001288608.2, NM_001378596.1 and 1 more transcripts); c.403G>A (NM_019032.4); short protein forms E135K.
Identifiers: ClinVar variation 1981966 (VCV001981966.2), dbSNP rs1263483529, ClinGen allele CA342300358.